The following is an entry in ClinVar:

ClinVar aggregate classification (germline): Benign. Review status: criteria provided, multiple submitters, no conflicts (2 of 4 stars). 5 submissions from 5 submitters: Benign (3). 2 of the submissions do not count toward it. Last evaluated 2023-04-19.

Conditions:
Anemia, nonspherocytic hemolytic, due to G6PD deficiency (CNSHA1). Also called: ANEMIA, CONGENITAL, NONSPHEROCYTIC HEMOLYTIC, 1; Hemolytic anemia due to G6PD deficiency; Class I glucose-6-phosphate dehydrogenase deficiency; Favism, susceptibility to. Identifiers: Orphanet 466026, MedGen C2720289, MONDO:0010480, OMIM 300908.
G6PD deficiency. Also called: G6PD A-. Identifiers: MedGen C2939465, MONDO:0005775.

Allele frequency attached by ClinVar (database versions not stated): gnomAD 0.04377 and 0.04673; 1000 Genomes Project 0.04848; TOPMed 0.04917; 1000 Genomes Project 30x 0.05057.
gnomAD v4.1: 9,987 of 1,185,278 alleles (0.84%); highest among the groups gnomAD compares: African/African-American, 16%; 544 homozygotes.

Submissions (5):

Department of Pathology and Laboratory Medicine, Sinai Health System
Classification: Benign for anemia, nonspherocytic hemolytic, due to G6PD deficiency. Last evaluated: 2023-04-19. Review status: criteria provided, single submitter. Criteria: ACMG Guidelines, 2015. Collection method: research. Allele origin: germline.

GeneDx
Classification: Benign. Last evaluated: 2018-07-05. Review status: criteria provided, single submitter. Criteria: GeneDx Variant Classification Process June 2021. Collection method: clinical testing. Allele origin: germline. Affected: yes.

Breakthrough Genomics
Classification: Benign. Review status: criteria provided, single submitter. Criteria: ACMG Guidelines, 2015. Collection method: not provided. Allele origin: germline. Inheritance: X-linked inheritance. Affected: yes.

Reproductive Health Research and Development, BGI Genomics
Classification: Benign for Glucose 6 phosphate dehydrogenase deficiency. Last evaluated: 2020-01-06. Review status: no assertion criteria provided. Collection method: curation. Allele origin: germline. Not counted in ClinVar's aggregate classification.
Comment: NG_009015.2(NM_001042351.2):c.486-60C>G in the gene G6PD has an allele frequency of 0.155 in African subpopulation in the gnomAD database. A total of 43 homozygous and 316 hemizygotes occurrences are observed in the gnomAD database. This evidence suggests the variant to be classified as benign. ACMG/AMP criteria applied: BA1, BS2.

OMIM
Classification: Pathogenic for G6PD RFLP. Last evaluated: 1979-09-28. Review status: no assertion criteria provided. Collection method: literature only. Allele origin: germline. Not counted in ClinVar's aggregate classification.

Literature cited by the submitters: Yoshida, A. Personal Communication. 1996. Duarte, Calif. (cited by OMIM); PubMed 472761 (cited by OMIM).

NM_001360016.2(G6PD):c.486-60C>G

Gene: G6PD (glucose-6-phosphate dehydrogenase; minus strand). Cytogenetic location: Xq28.
Variant type: single nucleotide variant.
Coding change: c.486-60C>G on transcript NM_001360016.2 (MANE Select); 60 bases into the intron before coding-DNA position 486, C replaced by G.
Molecular consequence: intron variant.
Genome position (GRCh38, 1-based): chrX:154,534,556, G>C on the plus strand (C>G on the coding strand, the complement: G6PD is on the minus strand). VCF-style: chrX-154534556-G-C. GRCh37 (hg19) VCF-style: chrX-153762771-G-C.
Other names: G6PD, EX6, -60, C-G; c.576-60C>G (NM_000402.4); c.486-60C>G (NM_001042351.3).
Identifiers: ClinVar variation 10374 (VCV000010374.7), dbSNP rs2515904, ClinGen allele CA120967.